The following is an entry in ClinVar:

Conditions:
Long QT syndrome 5 (LQT5). Identifiers: Orphanet 101016, Orphanet 768, MedGen C1867904, MONDO:0013372, OMIM 613695.

Submission:

Roden Lab, Vanderbilt University Medical Center
No classification provided (evidence only). Condition: Long QT syndrome 5. Review status: no classification provided. Collection method: in vitro. Allele origin: not applicable. Functional consequence: Effect on ion channel function.
ClinVar note: "not provided" was previously submitted as the classification for the variant. However, the classification appeared to be based only on an observation of functional data so it was converted to no classification on 2025-07-30.

NM_000219.6(KCNE1):c.11C>A (p.Ser4Tyr)

Gene: KCNE1 (potassium voltage-gated channel subfamily E regulatory subunit 1; minus strand). Cytogenetic location: 21q22.12.
Variant type: single nucleotide variant.
Coding change: c.11C>A on transcript NM_000219.6 (MANE Select); coding-DNA position 11, C replaced by A.
Protein change: p.Ser4Tyr; replaces serine 4 with tyrosine.
Molecular consequence: missense variant.
Genome position (GRCh38, 1-based): chr21:34,449,624, G>T on the plus strand (C>A on the coding strand, the complement: KCNE1 is on the minus strand). VCF-style: chr21-34449624-G-T. GRCh37 (hg19) VCF-style: chr21-35821922-G-T.
Other names: c.11C>A, p.Ser4Tyr (NM_001127668.4, NM_001127669.4, NM_001127670.4 and 4 more transcripts); short protein forms S4Y.
Identifiers: ClinVar variation 3374065 (VCV003374065.2).